The following is an entry in ClinVar:

NM_015459.5(ATL3):c.898G>A (p.Val300Ile)

Genes: ATL3 (atlastin GTPase 3; minus strand), LNCROPM (lncRNA regulator of PLAAT3 mediated phospholipid metabolism; plus strand). Cytogenetic location: 11q13.1.
Variant type: single nucleotide variant.
Coding change: c.898G>A on transcript NM_015459.5 (MANE Select); coding-DNA position 898, G replaced by A.
Protein change: p.Val300Ile; replaces valine 300 with isoleucine.
Molecular consequence: missense variant.
Genome position (GRCh38, 1-based): chr11:63,636,287, C>T on the plus strand (G>A on the coding strand, the complement: ATL3 is on the minus strand). VCF-style: chr11-63636287-C-T. GRCh37 (hg19) VCF-style: chr11-63403759-C-T.
Other names: c.898G>A (NM_015459.3); c.844G>A, p.Val282Ile (NM_001290048.2); short protein forms V300I, V282I.
Identifiers: ClinVar variation 843632 (VCV000843632.10), dbSNP rs1939514041, ClinGen allele CA381026707.

ClinVar aggregate classification (germline): Uncertain significance. Review status: criteria provided, multiple submitters, no conflicts (2 of 4 stars). 2 submissions from 2 submitters: Uncertain significance (2). Last evaluated 2025-09-25.

Conditions:
Inborn genetic diseases. Identifiers: MedGen C0950123, MeSH D030342.
Neuropathy, hereditary sensory, type 1F. Also called: Hereditary sensory neuropathy type IF; HSN IF. Identifiers: Orphanet 36386, MedGen C3810194, MONDO:0014286, OMIM 615632.

Allele frequency attached by ClinVar (database versions not stated): gnomAD exomes below 0.00001; TOPMed below 0.00001; gnomAD 0.00001.
gnomAD v4.1: 2 of 1,613,994 alleles (0.00012%); highest among the groups gnomAD compares: Non-Finnish European, 0.00017%; no homozygotes.

Submissions (2):

Ambry Genetics
Classification: Uncertain significance for Inborn genetic diseases. Last evaluated: 2025-09-25. Review status: criteria provided, single submitter. Criteria: Ambry Variant Classification Scheme 2023. Collection method: clinical testing. Allele origin: germline.

Labcorp Genetics (formerly Invitae), Labcorp
Classification: Uncertain significance for Neuropathy, hereditary sensory, type 1F. Last evaluated: 2022-08-09. Review status: criteria provided, single submitter. Criteria: Invitae Variant Classification Sherloc (09022015). Collection method: clinical testing. Allele origin: germline.
Comment: In summary, the available evidence is currently insufficient to determine the role of this variant in disease. Therefore, it has been classified as a Variant of Uncertain Significance. Algorithms developed to predict the effect of missense changes on protein structure and function output the following: SIFT: "Tolerated"; PolyPhen-2: "Benign"; Align-GVGD: "Class C0". The isoleucine amino acid residue is found in multiple mammalian species, which suggests that this missense change does not adversely affect protein function. ClinVar contains an entry for this variant (Variation ID: 843632). This variant has not been reported in the literature in individuals affected with ATL3-related conditions. This variant is not present in population databases (gnomAD no frequency). This sequence change replaces valine, which is neutral and non-polar, with isoleucine, which is neutral and non-polar, at codon 300 of the ATL3 protein (p.Val300Ile).